The following is an entry in ClinVar:

ClinVar aggregate classification (germline): Uncertain significance. Review status: criteria provided, multiple submitters, no conflicts (2 of 4 stars). 7 submissions from 7 submitters: Uncertain significance (7). Last evaluated 2026-02-19.

Conditions:
EGR2-related disorder. Also called: EGR2-related condition.
Inborn genetic diseases. Identifiers: MedGen C0950123, MeSH D030342.
Charcot-Marie-Tooth disease, type I (CMT1). Also called: Charcot-Marie-Tooth disease type 1; Charcot-Marie-Tooth, Type 1. Identifiers: Orphanet 65753, MedGen C0751036, MONDO:0019011.

Allele frequency attached by ClinVar (database versions not stated): ExAC 0.00001; gnomAD exomes 0.00002; gnomAD 0.00003 and 0.00004; TOPMed 0.00003.

Submissions (7):

PreventionGenetics, part of Exact Sciences
Classification: Uncertain significance for EGR2-related condition. Last evaluated: 2026-02-19. Review status: criteria provided, single submitter. Criteria: ACMG Guidelines, 2015. Collection method: clinical testing. Allele origin: germline.
Comment: The EGR2 c.826C>A variant is predicted to result in the amino acid substitution p.Pro276Thr. To our knowledge, this variant has not been reported in the literature. This variant is reported in 0.030% of alleles in individuals of Ashkenazi Jewish descent in gnomAD. At this time, the clinical significance of this variant is uncertain due to the absence of conclusive functional and genetic evidence.

Labcorp Genetics (formerly Invitae), Labcorp
Classification: Uncertain significance for Charcot-Marie-Tooth disease, type I. Last evaluated: 2025-06-09. Review status: criteria provided, single submitter. Criteria: Invitae Variant Classification Sherloc (09022015). Collection method: clinical testing. Allele origin: germline.
Comment: This sequence change replaces proline, which is neutral and non-polar, with threonine, which is neutral and polar, at codon 276 of the EGR2 protein (p.Pro276Thr). This variant is present in population databases (rs774442561, gnomAD 0.03%). This variant has not been reported in the literature in individuals affected with EGR2-related conditions. ClinVar contains an entry for this variant (Variation ID: 585844). Invitae Evidence Modeling of protein sequence and biophysical properties (such as structural, functional, and spatial information, amino acid conservation, physicochemical variation, residue mobility, and thermodynamic stability) indicates that this missense variant is not expected to disrupt EGR2 protein function with a negative predictive value of 80%. In summary, the available evidence is currently insufficient to determine the role of this variant in disease. Therefore, it has been classified as a Variant of Uncertain Significance.

Ambry Genetics
Classification: Uncertain significance for Inborn genetic diseases. Last evaluated: 2023-03-24. Review status: criteria provided, single submitter. Criteria: Ambry Variant Classification Scheme 2023. Collection method: clinical testing. Allele origin: germline.

Revvity Omics, Revvity
Classification: Uncertain significance. Last evaluated: 2021-09-07. Review status: criteria provided, single submitter. Criteria: ACMG Guidelines, 2015. Collection method: clinical testing. Allele origin: germline.

ARUP Laboratories, Molecular Genetics and Genomics, ARUP Laboratories
Classification: Uncertain significance. Last evaluated: 2019-11-11. Review status: criteria provided, single submitter. Criteria: ARUP Molecular Germline Variant Investigation Process. Collection method: clinical testing. Allele origin: germline.
Comment: The EGR2 c.826C>A; p.Pro276Thr variant (rs774442561), to our knowledge, is not reported in the medical literature but is reported in ClinVar (Variation ID: 585844). This variant is found in the general population with an allele frequency of 0.0024% (6/247,490 alleles) in the Genome Aggregation Database. The proline at codon 276 is moderately conserved, and computational analyses (SIFT: damaging, PolyPhen-2: benign) predict conflicting effects of this variant on protein structure/function. Due to limited information, the clinical significance of this variant is uncertain at this time.

Mayo Clinic Laboratories, Mayo Clinic
Classification: Uncertain significance. Last evaluated: 2019-11-03. Review status: criteria provided, single submitter. Criteria: ACMG Guidelines, 2015. Collection method: clinical testing. Allele origin: germline. Observed: 1 variant allele.

Athena Diagnostics
Classification: Uncertain significance. Last evaluated: 2018-02-20. Review status: criteria provided, single submitter. Criteria: Athena Diagnostics Criteria. Collection method: clinical testing. Allele origin: germline.

NM_000399.5(EGR2):c.826C>A (p.Pro276Thr)

Gene: EGR2 (early growth response 2; minus strand). Cytogenetic location: 10q21.3.
Variant type: single nucleotide variant.
Coding change: c.826C>A on transcript NM_000399.5 (MANE Select); coding-DNA position 826, C replaced by A.
Protein change: p.Pro276Thr; replaces proline 276 with threonine.
Molecular consequence: missense variant.
Genome position (GRCh38, 1-based): chr10:62,813,812, G>T on the plus strand (C>A on the coding strand, the complement: EGR2 is on the minus strand). VCF-style: chr10-62813812-G-T. GRCh37 (hg19) VCF-style: chr10-64573572-G-T.
Other names: c.826C>A, p.Pro276Thr (NM_001136177.3, NM_001136178.2); c.676C>A, p.Pro226Thr (NM_001136179.3, NM_001321037.2); short protein forms P276T, P226T.
Identifiers: ClinVar variation 585844 (VCV000585844.27), dbSNP rs774442561, ClinGen allele CA5517219.